The following is an entry in ClinVar:

ClinVar aggregate classification (germline): Benign. Review status: criteria provided, multiple submitters, no conflicts (2 of 4 stars). 3 submissions from 3 submitters: Benign (2). 1 of the submissions does not count toward it. Last evaluated 2017-08-08.

Conditions:
GRAMD1B-related disorder. Also called: GRAMD1B-related condition.

Allele frequency attached by ClinVar (database versions not stated): gnomAD exomes 0.00040; ExAC 0.00054; gnomAD 0.00182 and 0.00195; ESP Exome Variant Server 0.00192; TOPMed 0.00222; 1000 Genomes Project 0.00240; 1000 Genomes Project 30x 0.00359.
gnomAD v4.1: 548 of 1,613,690 alleles (0.034%); highest among the groups gnomAD compares: African/African-American, 0.61%; 2 homozygotes.

Submissions (3):

Labcorp Genetics (formerly Invitae), Labcorp
Classification: Benign. Last evaluated: 2017-08-08. Review status: criteria provided, single submitter. Criteria: Invitae Variant Classification Sherloc (09022015). Collection method: clinical testing. Allele origin: germline.

Breakthrough Genomics
Classification: Benign. Review status: criteria provided, single submitter. Criteria: ACMG Guidelines, 2015. Collection method: not provided. Allele origin: germline. Inheritance: Unknown mechanism. Affected: yes.

PreventionGenetics, part of Exact Sciences
Classification: Likely benign for GRAMD1B-related condition. Last evaluated: 2019-12-06. Review status: no assertion criteria provided. Collection method: clinical testing. Allele origin: germline. Not counted in ClinVar's aggregate classification.
Comment: This variant is classified as likely benign based on ACMG/AMP sequence variant interpretation guidelines (Richards et al. 2015 PMID: 25741868, with internal and published modifications).

NM_001387025.1(GRAMD1B):c.2109G>A (p.Thr703=)

Gene: GRAMD1B (GRAM domain containing 1B; plus strand). Cytogenetic location: 11q24.1.
Variant type: single nucleotide variant.
Coding change: c.2109G>A on transcript NM_001387025.1 (MANE Select); coding-DNA position 2109, G replaced by A.
Protein change: p.Thr703=; no amino-acid change (threonine 703 retained).
Molecular consequence: synonymous variant.
Genome position (GRCh38, 1-based): chr11:123,613,540, G>A. VCF-style: chr11-123613540-G-A. GRCh37 (hg19) VCF-style: chr11-123484248-G-A.
Other names: c.1701G>A, p.Thr567= (NM_001286563.3); c.1560G>A, p.Thr520= (NM_001286564.3, NM_001330396.3, NM_001387030.1 and 5 more transcripts); c.1761G>A, p.Thr587= (NM_001367418.2, NM_001367419.2, NM_001367420.2); c.1977G>A, p.Thr659= (NM_001367421.2); c.2109G>A, p.Thr703= (NM_001387024.1); c.2106G>A, p.Thr702= (NM_001387026.1); c.1680G>A, p.Thr560= (NM_001387028.1, NM_001387029.1, NM_020716.4); c.1680G>A (NM_020716.2).
Identifiers: ClinVar variation 788572 (VCV000788572.6), dbSNP rs62641671, ClinGen allele CA6333782.